The following is an entry in ClinVar:

ClinVar aggregate classification (germline): Likely benign. Review status: criteria provided, multiple submitters, no conflicts (2 of 4 stars). 2 submissions from 2 submitters: Likely benign (2). Last evaluated 2025-09-23.

Allele frequency attached by ClinVar (database versions not stated): gnomAD exomes 0.00001 and 0.00002; ExAC 0.00002; gnomAD 0.00004 and 0.00005; TOPMed 0.00005; ESP Exome Variant Server 0.00008.
gnomAD v4.1: 18 of 1,589,436 alleles (0.0011%); highest among the groups gnomAD compares: African/African-American, 0.012%; no homozygotes.

Submissions (2):

Labcorp Genetics (formerly Invitae), Labcorp
Classification: Likely benign. Last evaluated: 2025-09-23. Review status: criteria provided, single submitter. Criteria: Invitae Variant Classification Sherloc (09022015). Collection method: clinical testing. Allele origin: germline.

GeneDx
Classification: Likely benign. Last evaluated: 2017-06-15. Review status: criteria provided, single submitter. Criteria: GeneDx Variant Classification (06012015). Collection method: clinical testing. Allele origin: germline. Affected: yes.
Comment: This variant is considered likely benign or benign based on one or more of the following criteria: it is a conservative change, it occurs at a poorly conserved position in the protein, it is predicted to be benign by multiple in silico algorithms, and/or has population frequency not consistent with disease.

NM_018993.4(RIN2):c.158+8G>C

Gene: RIN2 (Ras and Rab interactor 2; plus strand). Cytogenetic location: 20p11.23.
Variant type: single nucleotide variant.
Coding change: c.158+8G>C on transcript NM_018993.4 (MANE Select); 8 bases into the intron after coding-DNA position 158, G replaced by C.
Molecular consequence: intron variant.
Genome position (GRCh38, 1-based): chr20:19,935,207, G>C. VCF-style: chr20-19935207-G-C. GRCh37 (hg19) VCF-style: chr20-19915851-G-C.
Other names: c.-388+8G>C (NM_001378238.1); c.305+8G>C (NM_001242581.2).
Identifiers: ClinVar variation 517976 (VCV000517976.5), dbSNP rs370944227, ClinGen allele CA9779733.
Genomic context (GRCh38, chr20:19,935,207, plus strand): 5'-GTGCGGACAGATGTCAACCTGGAAAATGGCCTGGAACCCGCTGAAACCCACAGGTGACCA[G>C]AGACACGGTTAGGTGATGGGTGCGAGAAAGGGATCGAGTGAACCCTGGCACTGCCAAGGG-3'